The following is an entry in ClinVar:

ClinVar aggregate classification (germline): Conflicting classifications of pathogenicity. Review status: criteria provided, conflicting classifications (1 of 4 stars). 4 submissions from 4 submitters: Uncertain significance (3); Benign (1). Last evaluated 2026-04-01.

Conditions:
Hydatidiform mole, recurrent, 1 (HYDM1). Identifiers: Orphanet 254688, Orphanet 99927, MedGen C3463897, MONDO:0009273, OMIM 231090. Disease mechanism: loss of function.

Allele frequency attached by ClinVar (database versions not stated): gnomAD exomes 0.00099 and 0.00204; gnomAD 0.00120 and 0.00126; TOPMed 0.00127; ESP Exome Variant Server 0.00146; ExAC 0.00149.
gnomAD v4.1: 1,760 of 1,613,444 alleles (0.11%); highest among the groups gnomAD compares: Non-Finnish European, 0.021%; 31 homozygotes.

Submissions (4):

CeGaT Center for Human Genetics Tuebingen
Classification: Benign. Last evaluated: 2026-04-01. Review status: criteria provided, single submitter. Criteria: CeGaT Center For Human Genetics Tuebingen Variant Classification Criteria Version 2. Collection method: clinical testing. Allele origin: germline. Affected: yes. Observed: 2 variant alleles.
Comment: NLRP7: BP4, BS1, BS2

Illumina Laboratory Services, Illumina
Classification: Uncertain significance for Hydatidiform mole, recurrent, 1. Last evaluated: 2018-01-13. Review status: criteria provided, single submitter. Criteria: ICSL Variant Classification Criteria 13 December 2019. Collection method: clinical testing. Allele origin: germline.

Eurofins Ntd Llc (ga)
Classification: Uncertain significance. Last evaluated: 2016-05-19. Review status: criteria provided, single submitter. Criteria: EGL Classification Definitions 2015. Collection method: clinical testing. Allele origin: germline. Observed: 2 variant alleles, 2 heterozygotes.

Breakthrough Genomics
Classification: Uncertain significance. Review status: criteria provided, single submitter. Criteria: ACMG Guidelines, 2015. Collection method: not provided. Allele origin: germline. Inheritance: Autosomal dominant inheritance. Affected: yes.

NM_001127255.2(NLRP7):c.1082C>T (p.Ser361Leu)

Gene: NLRP7 (NLR family pyrin domain containing 7; minus strand). Cytogenetic location: 19q13.42.
Variant type: single nucleotide variant.
Coding change: c.1082C>T on transcript NM_001127255.2 (MANE Select); coding-DNA position 1082, C replaced by T.
Protein change: p.Ser361Leu; replaces serine 361 with leucine.
Molecular consequence: missense variant.
Genome position (GRCh38, 1-based): chr19:54,939,737, G>A on the plus strand (C>T on the coding strand, the complement: NLRP7 is on the minus strand). VCF-style: chr19-54939737-G-A. GRCh37 (hg19) VCF-style: chr19-55451105-G-A.
Other names: c.1082C>T, p.Ser361Leu (NM_001405531.1, NM_139176.4, NM_206828.4); short protein forms S361L.
Identifiers: ClinVar variation 288252 (VCV000288252.36), dbSNP rs143169084, ClinGen allele CA310018607.